The following is an entry in ClinVar:

ClinVar aggregate classification (germline): Benign. Review status: criteria provided, multiple submitters, no conflicts (2 of 4 stars). 3 submissions from 3 submitters: Benign (3). Last evaluated 2024-07-15.

Allele frequency attached by ClinVar (database versions not stated): 1000 Genomes Project 30x 0.21049; 1000 Genomes Project 0.21605; TOPMed 0.24828; gnomAD 0.25866 and 0.25964; gnomAD exomes 0.32215.
gnomAD v4.1: 483,924 of 1,532,262 alleles (32%); highest among the groups gnomAD compares: Non-Finnish European, 34%; 79,617 homozygotes.

Submissions (3):

Unidad de Genómica Garrahan, Hospital de Pediatría Garrahan
Classification: Benign. Last evaluated: 2024-07-15. Review status: criteria provided, single submitter. Criteria: ACMG Guidelines, 2015. Collection method: clinical testing. Allele origin: germline. Affected: no. Observed: 37 variant alleles.
Comment: This variant is classified as Benign based on local population frequency. This variant was detected in 40% of patients studied in a panel designed for Epileptic and Developmental Encephalopathy and Progressive Myoclonus Epilepsy. Number of patients: 37. Only high quality variants are reported.

GeneDx
Classification: Benign. Last evaluated: 2018-06-14. Review status: criteria provided, single submitter. Criteria: GeneDx Variant Classification (06012015). Collection method: clinical testing. Allele origin: germline. Affected: yes.
Comment: This variant is considered likely benign or benign based on one or more of the following criteria: it is a conservative change, it occurs at a poorly conserved position in the protein, it is predicted to be benign by multiple in silico algorithms, and/or has population frequency not consistent with disease.

Breakthrough Genomics
Classification: Benign. Review status: criteria provided, single submitter. Criteria: ACMG Guidelines, 2015. Collection method: not provided. Allele origin: germline. Inheritance: Autosomal dominant inheritance. Affected: yes.

NM_001165963.4(SCN1A):c.1170+75C>A

Gene: SCN1A (sodium voltage-gated channel alpha subunit 1; minus strand). Cytogenetic location: 2q24.3.
Variant type: single nucleotide variant.
Coding change: c.1170+75C>A on transcript NM_001165963.4 (MANE Select); 75 bases into the intron after coding-DNA position 1170, C replaced by A.
Molecular consequence: intron variant.
Genome position (GRCh38, 1-based): chr2:166,047,552, G>T on the plus strand (C>A on the coding strand, the complement: SCN1A is on the minus strand). VCF-style: chr2-166047552-G-T. GRCh37 (hg19) VCF-style: chr2-166904062-G-T.
Other names: c.1170+75C>A (NM_001353949.2, NM_001353958.2, NM_001353950.2 and 10 more transcripts); c.-1256+75C>A (NM_001353961.2).
Identifiers: ClinVar variation 670841 (VCV000670841.4), dbSNP rs11690962, ClinGen allele CA11088993.